The following is an entry in ClinVar:

NM_021728.4(OTX2):c.388A>T (p.Ser130Cys)

Gene: OTX2 (orthodenticle homeobox 2; minus strand). Cytogenetic location: 14q22.3.
Variant type: single nucleotide variant.
Coding change: c.388A>T on transcript NM_021728.4 (MANE Select); coding-DNA position 388, A replaced by T.
Protein change: p.Ser130Cys; replaces serine 130 with cysteine.
Molecular consequence: missense variant. On other transcripts: non-coding transcript variant (2).
Genome position (GRCh38, 1-based): chr14:56,802,241, T>A on the plus strand (A>T on the coding strand, the complement: OTX2 is on the minus strand). VCF-style: chr14-56802241-T-A. GRCh37 (hg19) VCF-style: chr14-57268959-T-A.
Other names: c.364A>T, p.Ser122Cys (NM_001270523.2, NM_001270524.2, NM_172337.3); c.388A>T, p.Ser130Cys (NM_001270525.2); short protein forms S122C, S130C.
Identifiers: ClinVar variation 2009336 (VCV002009336.4), dbSNP rs748205899, ClinGen allele CA390051964.
Genomic context (GRCh38, chr14:56,802,241, plus strand): 5'-TGGTCGGGACTGAGGTGCTAGAGGGGGGAGTGAATTGGCCACTTGTTCCACTCTCTGAAC[T>A]CACTTCCCGAGCTGGAGATGTCTTCTTTTTGGCAGGTCTCACTTTGTTTTGACCTCCATT-3'
Protein context (NP_068374.1, residues 120-140): KKKTSPAREV[Ser130Cys]SESGTSGQFT

ClinVar aggregate classification (germline): Uncertain significance (1 of 4 stars; one submission).

Conditions:
Anophthalmia-microphthalmia syndrome. Also called: Anophthalmia/Microphthalmia; Anophthalmia - microphthalmia. Identifiers: Orphanet 98555, MedGen C5680330, MONDO:0020147.

Submission:

Labcorp Genetics (formerly Invitae), Labcorp
Classification: Uncertain significance for Anophthalmia-microphthalmia syndrome. Last evaluated: 2022-06-22. Review status: criteria provided, single submitter. Criteria: Invitae Variant Classification Sherloc (09022015). Collection method: clinical testing. Allele origin: germline.
Comment: In summary, the available evidence is currently insufficient to determine the role of this variant in disease. Therefore, it has been classified as a Variant of Uncertain Significance. Algorithms developed to predict the effect of missense changes on protein structure and function (SIFT, PolyPhen-2, Align-GVGD) all suggest that this variant is likely to be disruptive. This variant has not been reported in the literature in individuals affected with OTX2-related conditions. This variant is not present in population databases (gnomAD no frequency). This sequence change replaces serine, which is neutral and polar, with cysteine, which is neutral and slightly polar, at codon 122 of the OTX2 protein (p.Ser122Cys).